The following is an entry in ClinVar:

ClinVar aggregate classification (germline): Uncertain significance (1 of 4 stars; one submission).

Allele frequency attached by ClinVar (database versions not stated): gnomAD exomes below 0.00001; TOPMed below 0.00001; gnomAD 0.00001.
gnomAD v4.1: 5 of 1,571,902 alleles (0.00032%); highest among the groups gnomAD compares: Admixed American, 0.0072%; no homozygotes.

Submission:

Labcorp Genetics (formerly Invitae), Labcorp
Classification: Uncertain significance. Last evaluated: 2022-10-17. Review status: criteria provided, single submitter. Criteria: Invitae Variant Classification Sherloc (09022015). Collection method: clinical testing. Allele origin: germline.
Comment: This sequence change replaces glutamic acid, which is acidic and polar, with glutamine, which is neutral and polar, at codon 3038 of the ADGRV1 protein (p.Glu3038Gln). This variant is present in population databases (no rsID available, gnomAD 0.003%). This variant has not been reported in the literature in individuals affected with ADGRV1-related conditions. Advanced modeling of protein sequence and biophysical properties (such as structural, functional, and spatial information, amino acid conservation, physicochemical variation, residue mobility, and thermodynamic stability) performed at Invitae indicates that this missense variant is not expected to disrupt ADGRV1 protein function. In summary, the available evidence is currently insufficient to determine the role of this variant in disease. Therefore, it has been classified as a Variant of Uncertain Significance.

NM_032119.4(ADGRV1):c.9112G>C (p.Glu3038Gln)

Gene: ADGRV1 (adhesion G protein-coupled receptor V1; plus strand). Cytogenetic location: 5q14.3.
Variant type: single nucleotide variant.
Coding change: c.9112G>C on transcript NM_032119.4 (MANE Select); coding-DNA position 9112, G replaced by C.
Protein change: p.Glu3038Gln; replaces glutamic acid 3038 with glutamine.
Molecular consequence: missense variant. On other transcripts: non-coding transcript variant (1).
Genome position (GRCh38, 1-based): chr5:90,712,356, G>C. VCF-style: chr5-90712356-G-C. GRCh37 (hg19) VCF-style: chr5-90008173-G-C.
Other names: short protein forms E3038Q.
Identifiers: ClinVar variation 1941189 (VCV001941189.2), dbSNP rs1353188637, ClinGen allele CA360396270.
Genomic context (GRCh38, chr5:90,712,356, plus strand): 5'-TTTGCTGATGGAGAAAGGTATAAAAATGTCAATATCATGATTCTTGATGATGACATTCCA[G>C]AAGGAGATGAAAAATTTCAGCTGATTTTAACAAATCCTTCTCCTGGACTAGAGCTAGGGA-3'
Protein context (NP_115495.3, residues 3028-3048): NIMILDDDIP[Glu3038Gln]GDEKFQLILT